The following is an entry in ClinVar:

ClinVar aggregate classification (germline): Uncertain significance (1 of 4 stars; one submission).

Conditions:
Glycogen storage disease, type IV (GSD4). Also called: AMYLOPECTINOSIS; ANDERSEN DISEASE; BRANCHER DEFICIENCY; CIRRHOSIS, FAMILIAL, WITH DEPOSITION OF ABNORMAL GLYCOGEN; GBE1 DEFICIENCY; GLYCOGEN BRANCHING ENZYME DEFICIENCY. Identifiers: Orphanet 367, MedGen C0017923, MONDO:0009292, OMIM 232500.
Glycogen storage disease IV, classic hepatic. Also called: GSD IV, CLASSIC HEPATIC. Identifiers: MedGen C1856301.

Submission:

Labcorp Genetics (formerly Invitae), Labcorp
Classification: Uncertain significance for Glycogen storage disease, type IV; Glycogen storage disease IV, classic hepatic. Last evaluated: 2023-08-04. Review status: criteria provided, single submitter. Criteria: Invitae Variant Classification Sherloc (09022015). Collection method: clinical testing. Allele origin: germline.
Comment: This variant has not been reported in the literature in individuals affected with GBE1-related conditions. This variant is not present in population databases (gnomAD no frequency). This sequence change replaces phenylalanine, which is neutral and non-polar, with leucine, which is neutral and non-polar, at codon 670 of the GBE1 protein (p.Phe670Leu). ClinVar contains an entry for this variant (Variation ID: 1501948). In summary, the available evidence is currently insufficient to determine the role of this variant in disease. Therefore, it has been classified as a Variant of Uncertain Significance. Advanced modeling of protein sequence and biophysical properties (such as structural, functional, and spatial information, amino acid conservation, physicochemical variation, residue mobility, and thermodynamic stability) performed at Invitae indicates that this missense variant is not expected to disrupt GBE1 protein function.

NM_000158.4(GBE1):c.2010T>G (p.Phe670Leu)

Gene: GBE1 (1,4-alpha-glucan branching enzyme 1; minus strand). Cytogenetic location: 3p12.2.
Variant type: single nucleotide variant.
Coding change: c.2010T>G on transcript NM_000158.4 (MANE Select); coding-DNA position 2010, T replaced by G.
Protein change: p.Phe670Leu; replaces phenylalanine 670 with leucine.
Molecular consequence: missense variant.
Genome position (GRCh38, 1-based): chr3:81,499,152, A>C on the plus strand (T>G on the coding strand, the complement: GBE1 is on the minus strand). VCF-style: chr3-81499152-A-C. GRCh37 (hg19) VCF-style: chr3-81548303-A-C.
Other names: short protein forms F670L.
Identifiers: ClinVar variation 1501948 (VCV001501948.6), dbSNP rs2106809858, ClinGen allele CA353684375.